The following is an entry in ClinVar:

ClinVar aggregate classification (germline): Uncertain significance (1 of 4 stars; one submission).

Conditions:
Congenital muscular dystrophy due to integrin alpha-7 deficiency. Also called: MYOPATHY, CONGENITAL, DUE TO INTEGRIN ALPHA-7 DEFICIENCY; Congenital muscular dystrophy with integrin alpha-7 deficiency; Muscular dystrophy, congenital, due to ITGA7 deficiency. Identifiers: Orphanet 34520, MedGen C2750786, MONDO:0013177, OMIM 613204.

Submission:

Labcorp Genetics (formerly Invitae), Labcorp
Classification: Uncertain significance for Congenital muscular dystrophy due to integrin alpha-7 deficiency. Last evaluated: 2021-04-06. Review status: criteria provided, single submitter. Criteria: Invitae Variant Classification Sherloc (09022015). Collection method: clinical testing. Allele origin: germline.
Comment: This variant has not been reported in the literature in individuals with ITGA7-related conditions. In summary, the available evidence is currently insufficient to determine the role of this variant in disease. Therefore, it has been classified as a Variant of Uncertain Significance. Algorithms developed to predict the effect of missense changes on protein structure and function output the following: SIFT: "Deleterious"; PolyPhen-2: "Benign"; Align-GVGD: "Class C0". The phenylalanine amino acid residue is found in multiple mammalian species, suggesting that this missense change does not adversely affect protein function. These predictions have not been confirmed by published functional studies and their clinical significance is uncertain. This variant is not present in population databases (ExAC no frequency). This sequence change replaces serine with phenylalanine at codon 796 of the ITGA7 protein (p.Ser796Phe). The serine residue is moderately conserved and there is a large physicochemical difference between serine and phenylalanine.

NM_002206.3(ITGA7):c.2387C>T (p.Ser796Phe)

Genes: ITGA7 (integrin subunit alpha 7; minus strand), LOC126861535 (CDK7 strongly-dependent group 2 enhancer GRCh37_chr12:56087579-56088778; plus strand). Cytogenetic location: 12q13.2.
Variant type: single nucleotide variant.
Coding change: c.2387C>T on transcript NM_002206.3 (MANE Select); coding-DNA position 2387, C replaced by T.
Protein change: p.Ser796Phe; replaces serine 796 with phenylalanine.
Molecular consequence: missense variant.
Genome position (GRCh38, 1-based): chr12:55,694,301, G>A on the plus strand (C>T on the coding strand, the complement: ITGA7 is on the minus strand). VCF-style: chr12-55694301-G-A. GRCh37 (hg19) VCF-style: chr12-56088085-G-A.
Other names: c.2399C>T, p.Ser800Phe (NM_001144996.2); c.2108C>T, p.Ser703Phe (NM_001144997.2); c.2060C>T, p.Ser687Phe (NM_001367993.1); c.1043C>T, p.Ser348Phe (NM_001367994.1); c.2369C>T, p.Ser790Phe (NM_001374465.1); c.2519C>T, p.Ser840Phe (NM_001410977.1); c.2381C>T, p.Ser794Phe (NM_001414029.1); c.2312C>T, p.Ser771Phe (NM_001414030.1); and 5 more; short protein forms S687F, S800F, S790F, S796F, S348F, S703F, S840F, S735F.
Identifiers: ClinVar variation 1348148 (VCV001348148.8), dbSNP rs2135998252, ClinGen allele CA385182904.